The following is an entry in ClinVar:

NM_024426.6(WT1):c.745T>A (p.Phe249Ile)

Gene: WT1 (WT1 transcription factor; minus strand). Cytogenetic location: 11p13.
Variant type: single nucleotide variant.
Coding change: c.745T>A on transcript NM_024426.6 (MANE Select); coding-DNA position 745, T replaced by A.
Protein change: p.Phe249Ile; replaces phenylalanine 249 with isoleucine.
Molecular consequence: missense variant. On other transcripts: non-coding transcript variant (1).
Genome position (GRCh38, 1-based): chr11:32,428,536, A>T on the plus strand (T>A on the coding strand, the complement: WT1 is on the minus strand). VCF-style: chr11-32428536-A-T. GRCh37 (hg19) VCF-style: chr11-32450082-A-T.
Other names: c.745T>A, p.Phe249Ile (NM_000378.6, NM_001407044.1, NM_001407045.1 and 4 more transcripts); c.94T>A, p.Phe32Ile (NM_001198551.2, NM_001198552.2); c.-18T>A (NM_001407051.1); c.730T>A, p.Phe244Ile (NM_024425.2); short protein forms F249I, F32I, F244I.
Identifiers: ClinVar variation 1480704 (VCV001480704.9), dbSNP rs2133075297, ClinGen allele CA379963338.

ClinVar aggregate classification (germline): Uncertain significance (1 of 4 stars; one submission).

Conditions:
Frasier syndrome. Identifiers: Orphanet 347, MedGen C0950122, MeSH D052159, MONDO:0007635, OMIM 136680.
Drash syndrome (DDS). Also called: WILMS TUMOR AND PSEUDO- OR TRUE HERMAPHRODITISM; NEPHROPATHY, WILMS TUMOR, AND GENITAL ANOMALIES. Identifiers: Orphanet 220, MedGen C0950121, MONDO:0008682, OMIM 194080.
Wilms tumor 1 (WT1). Also called: Wilms tumor, somatic. Identifiers: Orphanet 654, MedGen CN033288, MONDO:0008679, OMIM 194070.
11p partial monosomy syndrome (WAGR). Also called: WAGR Complex; WAGR Spectrum Disorder; WAGR syndrome; CHROMOSOME 11p13 DELETION SYNDROME. Identifiers: Orphanet 893, MedGen C0206115, MONDO:0008681, OMIM 194072.

Submission:

Labcorp Genetics (formerly Invitae), Labcorp
Classification: Uncertain significance for Wilms tumor 1; Drash syndrome; 11p partial monosomy syndrome; Frasier syndrome. Last evaluated: 2020-11-01. Review status: criteria provided, single submitter. Criteria: Invitae Variant Classification Sherloc (09022015). Collection method: clinical testing. Allele origin: germline.
Comment: This sequence change replaces phenylalanine with isoleucine at codon 244 of the WT1 protein (p.Phe244Ile). The phenylalanine residue is highly conserved and there is a small physicochemical difference between phenylalanine and isoleucine. This variant is not present in population databases (ExAC no frequency). This variant has not been reported in the literature in individuals with WT1-related conditions. Algorithms developed to predict the effect of missense changes on protein structure and function are either unavailable or do not agree on the potential impact of this missense change (SIFT: "Deleterious"; PolyPhen-2: "Benign"; Align-GVGD: "Class C0"). In summary, the available evidence is currently insufficient to determine the role of this variant in disease. Therefore, it has been classified as a Variant of Uncertain Significance.